The following is an entry in ClinVar:

ClinVar aggregate classification (germline): Likely pathogenic (1 of 4 stars; one submission).

Conditions:
Nemaline myopathy 2 (NEM2). Also called: Nemaline myopathy 2, autosomal recessive. Identifiers: MedGen C1850569, MONDO:0009725, OMIM 256030.

Submission:

Otogenetics
Classification: Likely pathogenic for Nemaline myopathy 2. Last evaluated: 2025-10-03. Review status: criteria provided, single submitter. Criteria: ACMG Guidelines, 2015. Collection method: clinical testing. Allele origin: germline.
Comment: PVS1: Frameshift indel introduces premature stop codon in gene with loss of function as mechanism of disease, predicted to undergo NMD; PM2: Variant not observed in gnomAD (<0.225% threshold)

NM_001164508.2(NEB):c.19382_19386delinsC (p.Asp6461fs)

Gene: NEB (nebulin; minus strand). Cytogenetic location: 2q23.3.
Variant type: Indel.
Coding change: c.19382_19386delinsC on transcript NM_001164508.2 (MANE Select); coding-DNA positions 19382 to 19386, ATCCG replaced by C.
Protein change: p.Asp6461fs; shifts the reading frame from aspartic acid 6461.
Molecular consequence: frameshift variant.
Genome position (GRCh38, 1-based): chr2:151,554,973-151,554,977, CGGAT replaced by G on the plus strand (ATCCG replaced by C on the coding strand, the reverse complement: NEB is on the minus strand). VCF-style: chr2-151554973-CGGAT-G. GRCh37 (hg19) VCF-style: chr2-152411487-CGGAT-G.
Other names: c.19382_19388delinsCAA (NM_001271208.2); c.19382_19386delinsC, p.Asp6461fs (NM_001164507.2, NM_001271208.2); c.14279_14283delinsC, p.Asp4760fs (NM_004543.5); short protein forms D4760fs, D6461fs.
Identifiers: ClinVar variation 4530601 (VCV004530601.1).